The following is an entry in ClinVar:

ClinVar aggregate classification (germline): Conflicting classifications of pathogenicity. Review status: criteria provided, conflicting classifications (1 of 4 stars). 2 submissions from 2 submitters: Uncertain significance (1); Likely benign (1). Last evaluated 2024-06-05.

Conditions:
Inborn genetic diseases. Identifiers: MedGen C0950123, MeSH D030342.
Very long chain acyl-CoA dehydrogenase deficiency (ACADVLD). Also called: VLCAD Deficiency; Very Long-Chain Acyl-Coenzyme A Dehydrogenase Deficiency. Identifiers: Orphanet 26793, MedGen C3887523, MONDO:0008723, OMIM 201475.

Allele frequency attached by ClinVar (database versions not stated): TOPMed below 0.00001; gnomAD 0.00001; ExAC 0.00004; 1000 Genomes Project 0.00020; 1000 Genomes Project 30x 0.00031.

Submissions (2):

Ambry Genetics
Classification: Likely benign for Inborn genetic diseases. Last evaluated: 2024-06-05. Review status: criteria provided, single submitter. Criteria: Ambry Variant Classification Scheme 2023. Collection method: clinical testing. Allele origin: germline.

Labcorp Genetics (formerly Invitae), Labcorp
Classification: Uncertain significance for Very long chain acyl-CoA dehydrogenase deficiency. Last evaluated: 2022-06-27. Review status: criteria provided, single submitter. Criteria: Invitae Variant Classification Sherloc (09022015). Collection method: clinical testing. Allele origin: germline.
Comment: This sequence change replaces alanine, which is neutral and non-polar, with threonine, which is neutral and polar, at codon 124 of the ACADVL protein (p.Ala124Thr). This variant is present in population databases (rs560912181, gnomAD 0.02%). This variant has not been reported in the literature in individuals affected with ACADVL-related conditions. Algorithms developed to predict the effect of missense changes on protein structure and function output the following: SIFT: "Tolerated"; PolyPhen-2: "Benign"; Align-GVGD: "Class C0". The threonine amino acid residue is found in multiple mammalian species, which suggests that this missense change does not adversely affect protein function. In summary, the available evidence is currently insufficient to determine the role of this variant in disease. Therefore, it has been classified as a Variant of Uncertain Significance.

NM_000018.4(ACADVL):c.370G>A (p.Ala124Thr)

Gene: ACADVL (acyl-CoA dehydrogenase very long chain; plus strand). Cytogenetic location: 17p13.1.
Variant type: single nucleotide variant.
Coding change: c.370G>A on transcript NM_000018.4 (MANE Select); coding-DNA position 370, G replaced by A.
Protein change: p.Ala124Thr; replaces alanine 124 with threonine.
Molecular consequence: missense variant.
Genome position (GRCh38, 1-based): chr17:7,220,951, G>A. VCF-style: chr17-7220951-G-A. GRCh37 (hg19) VCF-style: chr17-7124270-G-A.
Other names: c.370G>A (NM_000018.2); c.304G>A, p.Ala102Thr (NM_001033859.3); c.439G>A, p.Ala147Thr (NM_001270447.2); c.142G>A, p.Ala48Thr (NM_001270448.2); short protein forms A102T, A124T, A147T, A48T.
Identifiers: ClinVar variation 1478135 (VCV001478135.4), dbSNP rs560912181, ClinGen allele CA8337689.
Genomic context (GRCh38, chr17:7,220,951, plus strand): 5'-GAGCCTGGATGTGGGATCCTGTGCCTTCCCCAGGAAGTGAACGATCCCGCCAAGAATGAC[G>A]CTCTGGAGATGGTGGAGGAGACCACTTGGCAGGGCCTCAAGGAGCTGGGGGCCTTTGGTC-3'
Protein context (NP_000009.1, residues 114-134): EEVNDPAKND[Ala124Thr]LEMVEETTWQ